The following is an entry in ClinVar:

ClinVar aggregate classification (germline): Uncertain significance (1 of 4 stars; one submission).

Conditions:
Dyskeratosis congenita. Identifiers: Orphanet 1775, MedGen C0265965, MONDO:0015780.

Allele frequency attached by ClinVar (database versions not stated): gnomAD exomes below 0.00001.

Submission:

Labcorp Genetics (formerly Invitae), Labcorp
Classification: Uncertain significance for Dyskeratosis congenita. Last evaluated: 2022-12-26. Review status: criteria provided, single submitter. Criteria: Invitae Variant Classification Sherloc (09022015). Collection method: clinical testing. Allele origin: germline.
Comment: In summary, the available evidence is currently insufficient to determine the role of this variant in disease. Therefore, it has been classified as a Variant of Uncertain Significance. Algorithms developed to predict the effect of missense changes on protein structure and function are either unavailable or do not agree on the potential impact of this missense change (SIFT: "Deleterious"; PolyPhen-2: "Possibly Damaging"; Align-GVGD: "Class C0"). ClinVar contains an entry for this variant (Variation ID: 846394). This variant has not been reported in the literature in individuals affected with CTC1-related conditions. This variant is not present in population databases (gnomAD no frequency). This sequence change replaces glutamine, which is neutral and polar, with proline, which is neutral and non-polar, at codon 640 of the CTC1 protein (p.Gln640Pro).

NM_025099.6(CTC1):c.1919A>C (p.Gln640Pro)

Gene: CTC1 (CST telomere replication complex component 1; minus strand). Cytogenetic location: 17p13.1.
Variant type: single nucleotide variant.
Coding change: c.1919A>C on transcript NM_025099.6 (MANE Select); coding-DNA position 1919, A replaced by C.
Protein change: p.Gln640Pro; replaces glutamine 640 with proline.
Molecular consequence: missense variant. On other transcripts: non-coding transcript variant (1).
Genome position (GRCh38, 1-based): chr17:8,232,932, T>G on the plus strand (A>C on the coding strand, the complement: CTC1 is on the minus strand). VCF-style: chr17-8232932-T-G. GRCh37 (hg19) VCF-style: chr17-8136250-T-G.
Other names: short protein forms Q640P.
Identifiers: ClinVar variation 846394 (VCV000846394.9), dbSNP rs1987370776, ClinGen allele CA397980408.